The following is an entry in ClinVar:

ClinVar aggregate classification (germline): Uncertain significance. Review status: criteria provided, multiple submitters, no conflicts (2 of 4 stars). 3 submissions from 3 submitters: Uncertain significance (3). Last evaluated 2025-04-13.

Conditions:
Hereditary cancer-predisposing syndrome. Also called: Neoplastic Syndromes, Hereditary; Hereditary neoplastic syndrome; Tumor predisposition; Hereditary Cancer Syndrome. Identifiers: Orphanet 140162, MedGen C0027672, MeSH D009386, MONDO:0015356.
Ataxia-telangiectasia syndrome (AT). Also called: Ataxia-telangiectasia, complementation group D; AT, COMPLEMENTATION GROUP C; Ataxia telangiectasia (A-T); Cerebello-oculocutaneous telangiectasia; Immunodeficiency with ataxia telangiectasia; Ataxia-telangiectasia. Identifiers: Orphanet 100, MedGen C0004135, MONDO:0008840, OMIM 208900.

gnomAD v4.1: 1 of 1,613,988 alleles (0.000062%); highest among the groups gnomAD compares: East Asian, 0.0022%; no homozygotes.

Submissions (3):

Ambry Genetics
Classification: Uncertain significance for Hereditary cancer-predisposing syndrome. Last evaluated: 2025-04-13. Review status: criteria provided, single submitter. Criteria: Ambry Variant Classification Scheme 2023. Collection method: clinical testing. Allele origin: germline.
Comment: The p.L1862V variant (also known as c.5584C>G), located in coding exon 36 of the ATM gene, results from a C to G substitution at nucleotide position 5584. The leucine at codon 1862 is replaced by valine, an amino acid with highly similar properties. This amino acid position is highly conserved in available vertebrate species. In addition, the in silico prediction for this alteration is inconclusive. Since supporting evidence is limited at this time, the clinical significance of this alteration remains unclear.

Labcorp Genetics (formerly Invitae), Labcorp
Classification: Uncertain significance for Ataxia-telangiectasia syndrome. Last evaluated: 2024-11-27. Review status: criteria provided, single submitter. Criteria: Invitae Variant Classification Sherloc (09022015). Collection method: clinical testing. Allele origin: germline.
Comment: This sequence change replaces leucine, which is neutral and non-polar, with valine, which is neutral and non-polar, at codon 1862 of the ATM protein (p.Leu1862Val). This variant is not present in population databases (gnomAD no frequency). This variant has not been reported in the literature in individuals affected with ATM-related conditions. ClinVar contains an entry for this variant (Variation ID: 841402). Invitae Evidence Modeling of protein sequence and biophysical properties (such as structural, functional, and spatial information, amino acid conservation, physicochemical variation, residue mobility, and thermodynamic stability) indicates that this missense variant is not expected to disrupt ATM protein function with a negative predictive value of 95%. In summary, the available evidence is currently insufficient to determine the role of this variant in disease. Therefore, it has been classified as a Variant of Uncertain Significance.

Color Diagnostics, LLC DBA Color Health
Classification: Uncertain significance for Hereditary cancer-predisposing syndrome. Last evaluated: 2024-03-06. Review status: criteria provided, single submitter. Criteria: ACMG Guidelines, 2015. Collection method: clinical testing. Allele origin: germline.
Comment: This missense variant replaces leucine with valine at codon 1862 of the ATM protein. Computational prediction suggests that this variant may not impact protein structure and function (internally defined REVEL score threshold <= 0.5, PMID: 27666373). To our knowledge, functional studies have not been reported for this variant. This variant has not been reported in individuals affected with hereditary cancer in the literature. This variant has not been identified in the general population by the Genome Aggregation Database (gnomAD). The available evidence is insufficient to determine the role of this variant in disease conclusively. Therefore, this variant is classified as a Variant of Uncertain Significance.

NM_000051.4(ATM):c.5584C>G (p.Leu1862Val)

Gene: ATM (ATM serine/threonine kinase; plus strand). Cytogenetic location: 11q22.3.
Variant type: single nucleotide variant.
Coding change: c.5584C>G on transcript NM_000051.4 (MANE Select); coding-DNA position 5584, C replaced by G.
Protein change: p.Leu1862Val; replaces leucine 1862 with valine.
Molecular consequence: missense variant.
Genome position (GRCh38, 1-based): chr11:108,304,762, C>G. VCF-style: chr11-108304762-C-G. GRCh37 (hg19) VCF-style: chr11-108175489-C-G.
Other names: c.5584C>G, p.Leu1862Val (NM_001351834.2); short protein forms L1862V.
Identifiers: ClinVar variation 841402 (VCV000841402.13), dbSNP rs149362482, ClinGen allele CA382546149.